The following is an entry in ClinVar:

NM_002439.5(MSH3):c.1858G>A (p.Asp620Asn)

Gene: MSH3 (mutS homolog 3; plus strand). Cytogenetic location: 5q14.1.
Variant type: single nucleotide variant.
Coding change: c.1858G>A on transcript NM_002439.5 (MANE Select); coding-DNA position 1858, G replaced by A.
Protein change: p.Asp620Asn; replaces aspartic acid 620 with asparagine.
Molecular consequence: missense variant.
Genome position (GRCh38, 1-based): chr5:80,761,640, G>A. VCF-style: chr5-80761640-G-A. GRCh37 (hg19) VCF-style: chr5-80057459-G-A.
Other names: short protein forms D620N.
Identifiers: ClinVar variation 648147 (VCV000648147.26), dbSNP rs200337887, ClinGen allele CA3328066.

ClinVar aggregate classification (germline): Uncertain significance. Review status: criteria provided, multiple submitters, no conflicts (2 of 4 stars). 10 submissions from 10 submitters: Uncertain significance (10). Last evaluated 2026-01-27.

Conditions:
Endometrial carcinoma. Also called: Endometrial carcinoma, somatic. Identifiers: MedGen C0476089, MONDO:0002447, OMIM 608089, HP:0012114.
Familial adenomatous polyposis 4 (FAP4). Also called: MSH3-related attenuated familial adenomatous polyposis. Identifiers: Orphanet 480536, MedGen C4310719, MONDO:0044300, OMIM 617100.
Hereditary cancer-predisposing syndrome. Also called: Neoplastic Syndromes, Hereditary; Tumor predisposition; Hereditary neoplastic syndrome; Hereditary Cancer Syndrome. Identifiers: Orphanet 140162, MedGen C0027672, MeSH D009386, MONDO:0015356.
MSH3-related disorder. Also called: MSH3-related condition.

Allele frequency attached by ClinVar (database versions not stated): gnomAD 0.00003 and 0.00004; ExAC 0.00008; TOPMed 0.00008.
gnomAD v4.1: 61 of 1,613,952 alleles (0.0038%); highest among the groups gnomAD compares: East Asian, 0.027%; no homozygotes.

Submissions (10):

Labcorp Genetics (formerly Invitae), Labcorp
Classification: Uncertain significance. Last evaluated: 2026-01-27. Review status: criteria provided, single submitter. Criteria: Invitae Variant Classification Sherloc (09022015). Collection method: clinical testing. Allele origin: germline.
Comment: This sequence change replaces aspartic acid, which is acidic and polar, with asparagine, which is neutral and polar, at codon 620 of the MSH3 protein (p.Asp620Asn). This variant is present in population databases (rs200337887, gnomAD 0.07%). This variant has not been reported in the literature in individuals affected with MSH3-related conditions. ClinVar contains an entry for this variant (Variation ID: 648147). An algorithm developed to predict the effect of missense changes on protein structure and function (PolyPhen-2) suggests that this variant is likely to be disruptive. In summary, the available evidence is currently insufficient to determine the role of this variant in disease. Therefore, it has been classified as a Variant of Uncertain Significance.

Quest Diagnostics Nichols Institute San Juan Capistrano
Classification: Uncertain significance. Last evaluated: 2025-10-27. Review status: criteria provided, single submitter. Criteria: Quest Diagnostics criteria. Collection method: clinical testing. Allele origin: unknown.
Comment: The MSH3 c.1858G>A (p.Asp620Asn) variant has been reported in the published literature in individuals affected with colon cancer (PMID: 38522067 (2024)) and lymphoblastic leukemia (PMID: 34608827 (2022)). In addition, this variant was described in both an individual with nasopharyngeal carcinoma and reportedly unaffected individuals (PMID: 35954343 (2022)). The frequency of this variant in the general population (Genome Aggregation Database) is higher than would generally be expected for pathogenic variants in this gene. Analysis of this variant using bioinformatics tools for the prediction of the effect of amino acid changes on protein structure and function yielded conflicting predictions that this variant is benign or damaging. Based on the available information, we are unable to determine the clinical significance of this variant.

PreventionGenetics, part of Exact Sciences
Classification: Uncertain significance for MSH3-related condition. Last evaluated: 2025-08-22. Review status: criteria provided, single submitter. Criteria: ACMG Guidelines, 2015. Collection method: clinical testing. Allele origin: germline.
Comment: The MSH3 c.1858G>A variant is predicted to result in the amino acid substitution p.Asp620Asn. This variant has been reported in an individual with T-cell acute lymphoblastic leukemia, who also had variants in BRCA1 and TREX1 (Xue et al. 2021. PubMed ID: 34608827). This variant is reported in 0.065% of alleles in individuals of East Asian descent in gnomAD and is reported as uncertain in Clinvar (Variation ID: 648147). At this time, the clinical significance of this variant is uncertain due to the absence of conclusive functional and genetic evidence.

Ambry Genetics
Classification: Uncertain significance for Hereditary cancer-predisposing syndrome. Last evaluated: 2025-08-18. Review status: criteria provided, single submitter. Criteria: Ambry Variant Classification Scheme 2023. Collection method: clinical testing. Allele origin: germline.
Comment: The p.D620N variant (also known as c.1858G>A), located in coding exon 13 of the MSH3 gene, results from a G to A substitution at nucleotide position 1858. The aspartic acid at codon 620 is replaced by asparagine, an amino acid with highly similar properties. This variant was identified in a colorectal cancer patient (Lee NY et al. Genet Med, 2024 Jun;26:101124). This amino acid position is highly conserved in available vertebrate species. In addition, the in silico prediction for this alteration is inconclusive. Based on the available evidence, the clinical significance of this variant remains unclear.

Department of Pathology and Laboratory Medicine, Sinai Health System
Classification: Uncertain significance for Endometrial carcinoma; Familial adenomatous polyposis 4. Last evaluated: 2024-11-19. Review status: criteria provided, single submitter. Criteria: ACMG Guidelines, 2015. Collection method: clinical testing. Allele origin: germline.

GeneDx
Classification: Uncertain significance. Last evaluated: 2024-08-26. Review status: criteria provided, single submitter. Criteria: GeneDx Variant Classification Process June 2021. Collection method: clinical testing. Allele origin: germline.
Comment: In silico analysis supports that this missense variant has a deleterious effect on protein structure/function; Observed in a patient with lymphoblastic leukemia (PMID: 34608827); This variant is associated with the following publications: (PMID: 35350809, 34608827)

Baylor Genetics
Classification: Uncertain significance for Endometrial carcinoma. Last evaluated: 2024-03-21. Review status: criteria provided, single submitter. Criteria: ACMG Guidelines, 2015. Collection method: clinical testing. Allele origin: unknown.

Fulgent Genetics
Classification: Uncertain significance for Endometrial carcinoma; Familial adenomatous polyposis 4. Last evaluated: 2024-03-01. Review status: criteria provided, single submitter. Criteria: ACMG Guidelines, 2015. Collection method: clinical testing. Allele origin: germline.

Sema4
Classification: Uncertain significance for Hereditary cancer-predisposing syndrome. Last evaluated: 2021-12-29. Review status: criteria provided, single submitter. Criteria: Sema4 Curation Guidelines. Collection method: curation. Allele origin: germline.
Comment: The MSH3 c.1858G>A (p.D620N) variant has been reported in heterozygosity in at least one individual with T-cell acute lymphoblastic leukemia (PMID: 34608827). It was observed in 30/282718 chromosomes in the large and broad cohorts of the Genome Aggregation Database (PMID: 32461654). This variant has been reported in ClinVar (Variation ID: 648147). Functional studies have not been performed, and in silico predictions of the variant's effect on protein function are inconclusive. The evidence is insufficient to meet ACMG/AMP criteria for classifying the variant as benign or pathogenic. Thus, the clinical significance of this variant is currently uncertain.

Genetic Services Laboratory, University of Chicago
Classification: Uncertain significance. Last evaluated: 2021-05-26. Review status: criteria provided, single submitter. Criteria: ACMG Guidelines, 2015. Collection method: clinical testing. Allele origin: germline. Affected: no.
Comment: DNA sequence analysis of the MSH3 gene demonstrated a sequence change, c.1858G>A, in exon 13 that results in an amino acid change, p.Asp620Asn. This sequence change has been described in the gnomAD database with a frequency of 0.065% in the East Asian subpopulation (dbSNP rs200337887). The p.Asp620Asn change affects a highly conserved amino acid residue located in a domain of the MSH3 protein that is known to be functional. In-silico pathogenicity prediction tools (SIFT, PolyPhen2, Align GVGD, REVEL) provide contradictory results for the p.Asp620Asn substitution. This sequence change does not appear to have been previously described in patients with MSH3-related disorders. Due to insufficient evidences and the lack of functional studies, the clinical significance of the p.Asp620Asn change remains unknown at this time.

Literature cited by the submitters: PubMed 35954343 (cited by Quest Diagnostics Nichols Institute San Juan Capistrano); PubMed 38522067 (cited by Quest Diagnostics Nichols Institute San Juan Capistrano and Ambry Genetics); PubMed 34608827 (cited by Quest Diagnostics Nichols Institute San Juan Capistrano and Sema4).